The following is an entry in ClinVar:

NM_000428.3(LTBP2):c.2295C>T (p.Pro765=)

Gene: LTBP2 (latent transforming growth factor beta binding protein 2; minus strand). Cytogenetic location: 14q24.3.
Variant type: single nucleotide variant.
Coding change: c.2295C>T on transcript NM_000428.3 (MANE Select); coding-DNA position 2295, C replaced by T.
Protein change: p.Pro765=; no amino-acid change (proline 765 retained).
Molecular consequence: synonymous variant.
Genome position (GRCh38, 1-based): chr14:74,528,556, G>A on the plus strand (C>T on the coding strand, the complement: LTBP2 is on the minus strand). VCF-style: chr14-74528556-G-A. GRCh37 (hg19) VCF-style: chr14-74995259-G-A.
Identifiers: ClinVar variation 1534934 (VCV001534934.10), dbSNP rs148839448, ClinGen allele CA7269585.

ClinVar aggregate classification (germline): Likely benign. Review status: criteria provided, multiple submitters, no conflicts (2 of 4 stars). 2 submissions from 2 submitters: Likely benign (2). Last evaluated 2026-04-01.

Allele frequency attached by ClinVar (database versions not stated): gnomAD 0.00005 and 0.00006; TOPMed 0.00006; ExAC 0.00007; ESP Exome Variant Server 0.00008; 1000 Genomes Project 30x 0.00016; 1000 Genomes Project 0.00020.
gnomAD v4.1: 91 of 1,613,134 alleles (0.0056%); highest among the groups gnomAD compares: South Asian, 0.02%; no homozygotes.

Submissions (2):

CeGaT Center for Human Genetics Tuebingen
Classification: Likely benign. Last evaluated: 2026-04-01. Review status: criteria provided, single submitter. Criteria: CeGaT Center For Human Genetics Tuebingen Variant Classification Criteria Version 2. Collection method: clinical testing. Allele origin: germline. Affected: yes. Observed: 1 variant allele.
Comment: LTBP2: BP4, BP7

Labcorp Genetics (formerly Invitae), Labcorp
Classification: Likely benign. Last evaluated: 2025-11-25. Review status: criteria provided, single submitter. Criteria: Invitae Variant Classification Sherloc (09022015). Collection method: clinical testing. Allele origin: germline.